The following is an entry in ClinVar:

ClinVar aggregate classification (germline): Uncertain significance (1 of 4 stars; one submission).

Conditions:
Peroxisome biogenesis disorder, complementation group 7 (CG7). Also called: Peroxisome biogenesis disorder, complementation group B. Identifiers: MedGen C1864399.

Submission:

Labcorp Genetics (formerly Invitae), Labcorp
Classification: Uncertain significance for Peroxisome biogenesis disorder, complementation group 7. Last evaluated: 2025-12-08. Review status: criteria provided, single submitter. Criteria: Invitae Variant Classification Sherloc (09022015). Collection method: clinical testing. Allele origin: germline.
Comment: This sequence change replaces serine, which is neutral and polar, with proline, which is neutral and non-polar, at codon 276 of the PEX10 protein (p.Ser276Pro). This variant is present in population databases (rs532149116, gnomAD 0.003%). This variant has not been reported in the literature in individuals affected with PEX10-related conditions. An algorithm developed to predict the effect of missense changes on protein structure and function outputs the following: PolyPhen-2: "Benign". The proline amino acid residue is found in multiple mammalian species, which suggests that this missense change does not adversely affect protein function. In summary, the available evidence is currently insufficient to determine the role of this variant in disease. Therefore, it has been classified as a Variant of Uncertain Significance.

NM_002617.4(PEX10):c.766T>C (p.Ser256Pro)

Gene: PEX10 (peroxisomal biogenesis factor 10; minus strand). Cytogenetic location: 1p36.32.
Variant type: single nucleotide variant.
Coding change: c.766T>C on transcript NM_002617.4 (MANE Select); coding-DNA position 766, T replaced by C.
Protein change: p.Ser256Pro; replaces serine 256 with proline.
Molecular consequence: missense variant. On other transcripts: non-coding transcript variant (1).
Genome position (GRCh38, 1-based): chr1:2,406,730, A>G on the plus strand (T>C on the coding strand, the complement: PEX10 is on the minus strand). VCF-style: chr1-2406730-A-G. GRCh37 (hg19) VCF-style: chr1-2338169-A-G.
Other names: c.823T>C, p.Ser275Pro (NM_001374425.1); c.391T>C, p.Ser131Pro (NM_001374426.1); c.334T>C, p.Ser112Pro (NM_001374427.1); c.826T>C, p.Ser276Pro (NM_153818.2); short protein forms S131P, S256P, S275P, S276P, S112P.
Identifiers: ClinVar variation 4737514 (VCV004737514.1).